The following is an entry in ClinVar:

NM_001379200.1(TBX1):c.1003G>A (p.Ala335Thr)

Gene: TBX1 (T-box transcription factor 1; plus strand). Cytogenetic location: 22q11.21.
Variant type: single nucleotide variant.
Coding change: c.1003G>A on transcript NM_001379200.1 (MANE Select); coding-DNA position 1003, G replaced by A.
Protein change: p.Ala335Thr; replaces alanine 335 with threonine.
Molecular consequence: missense variant.
Genome position (GRCh38, 1-based): chr22:19,765,969, G>A. VCF-style: chr22-19765969-G-A. GRCh37 (hg19) VCF-style: chr22-19753492-G-A.
Other names: c.976G>A, p.Ala326Thr (NM_005992.1, NM_080646.2, NM_080647.1); short protein forms A335T, A326T.
Identifiers: ClinVar variation 1768137 (VCV001768137.2), dbSNP rs892172437, ClinGen allele CA322057750.

ClinVar aggregate classification (germline): Uncertain significance (1 of 4 stars; one submission).

Conditions:
Cardiovascular phenotype. Identifiers: MedGen CN230736.

gnomAD v4.1: 6 of 1,517,882 alleles (0.0004%); highest among the groups gnomAD compares: African/African-American, 0.0057%; no homozygotes.

Submission:

Ambry Genetics
Classification: Uncertain significance for Cardiovascular phenotype. Last evaluated: 2023-12-07. Review status: criteria provided, single submitter. Criteria: Ambry Variant Classification Scheme 2023. Collection method: clinical testing. Allele origin: germline.
Comment: The p.A326T variant (also known as c.976G>A), located in coding exon 7 of the TBX1 gene, results from a G to A substitution at nucleotide position 976. The alanine at codon 326 is replaced by threonine, an amino acid with similar properties. This amino acid position is not well conserved in available vertebrate species. In addition, this alteration is predicted to be tolerated by in silico analysis. Since supporting evidence is limited at this time, the clinical significance of this alteration remains unclear.